The following is an entry in ClinVar:

ClinVar aggregate classification (germline): Likely benign (1 of 4 stars; one submission).

Allele frequency attached by ClinVar (database versions not stated): ExAC 0.00115; ESP Exome Variant Server 0.00138; gnomAD 0.00138; 1000 Genomes Project 0.00140; TOPMed 0.00140; 1000 Genomes Project 30x 0.00156.
gnomAD v4.1: 2,889 of 1,614,156 alleles (0.18%); highest among the groups gnomAD compares: Admixed American, 0.26%; 6 homozygotes.

Submission:

CeGaT Center for Human Genetics Tuebingen
Classification: Likely benign. Last evaluated: 2022-07-01. Review status: criteria provided, single submitter. Criteria: CeGaT Center For Human Genetics Tuebingen Variant Classification Criteria Version 2. Collection method: clinical testing. Allele origin: germline. Affected: yes. Observed: 1 variant allele.
Comment: ZZEF1: BP4, BP7

NM_015113.4(ZZEF1):c.8496G>A (p.Val2832=)

Gene: ZZEF1 (zinc finger ZZ-type and EF-hand domain containing 1; minus strand). Cytogenetic location: 17p13.2.
Variant type: single nucleotide variant.
Coding change: c.8496G>A on transcript NM_015113.4 (MANE Select); coding-DNA position 8496, G replaced by A.
Protein change: p.Val2832=; no amino-acid change (valine 2832 retained).
Molecular consequence: synonymous variant.
Genome position (GRCh38, 1-based): chr17:4,013,532, C>T on the plus strand (G>A on the coding strand, the complement: ZZEF1 is on the minus strand). VCF-style: chr17-4013532-C-T. GRCh37 (hg19) VCF-style: chr17-3916826-C-T.
Identifiers: ClinVar variation 2647245 (VCV002647245.24), dbSNP rs145180691, ClinGen allele CA8297937.